The following is an entry in ClinVar:

ClinVar aggregate classification (germline): Uncertain significance (1 of 4 stars; one submission).

Conditions:
Inborn genetic diseases. Identifiers: MedGen C0950123, MeSH D030342.

Submission:

Ambry Genetics
Classification: Uncertain significance for Inborn genetic diseases. Last evaluated: 2021-01-08. Review status: criteria provided, single submitter. Criteria: Ambry Variant Classification Scheme 2023. Collection method: clinical testing. Allele origin: germline.
Comment: The c.1929C>G (p.D643E) alteration is located in exon 4 (coding exon 4) of the BCL11A gene. This alteration results from a C to G substitution at nucleotide position 1929, causing the aspartic acid (D) at amino acid position 643 to be replaced by a glutamic acid (E). The p.D643E alteration is predicted to be tolerated by in silico analysis. Based on insufficient or conflicting evidence, the clinical significance of this alteration remains unclear.

NM_022893.4(BCL11A):c.1929C>G (p.Asp643Glu)

Gene: BCL11A (BCL11 transcription factor A; minus strand). Cytogenetic location: 2p16.1.
Variant type: single nucleotide variant.
Coding change: c.1929C>G on transcript NM_022893.4 (MANE Select); coding-DNA position 1929, C replaced by G.
Protein change: p.Asp643Glu; replaces aspartic acid 643 with glutamic acid.
Molecular consequence: missense variant. On other transcripts: intron variant (6).
Genome position (GRCh38, 1-based): chr2:60,460,983, G>C on the plus strand (C>G on the coding strand, the complement: BCL11A is on the minus strand). VCF-style: chr2-60460983-G-C. GRCh37 (hg19) VCF-style: chr2-60688118-G-C.
Other names: c.1827C>G, p.Asp609Glu (NM_001363864.1, NM_001365609.1, NM_001405711.1 and 2 more transcripts); c.1929C>G, p.Asp643Glu (NM_001405708.1, NM_001405709.1, NM_001405710.1 and 1 more transcripts); c.1773C>G, p.Asp591Glu (NM_001405713.1, NM_001405714.1, NM_001405715.1 and 3 more transcripts); c.1671C>G, p.Asp557Glu (NM_001405717.1, NM_001405718.1, NM_001405724.1); c.1596C>G, p.Asp532Glu (NM_001405720.1, NM_001405721.1); c.1473C>G, p.Asp491Glu (NM_001405725.1, NM_001405726.1, NM_001405727.1 and 1 more transcripts); c.1236C>G, p.Asp412Glu (NM_001405729.1); c.1392C>G, p.Asp464Glu (NM_001405730.1); and 5 more; short protein forms D412E, D464E, D532E, D609E, D643E, D591E, D312E, D491E.
Identifiers: ClinVar variation 2228667 (VCV002228667.2), dbSNP rs1325893280, ClinGen allele CA347036937.